The following is an entry in ClinVar:

ClinVar aggregate classification (germline): Pathogenic (1 of 4 stars; one submission).

Submission:

Labcorp Genetics (formerly Invitae), Labcorp
Classification: Pathogenic. Last evaluated: 2022-08-09. Review status: criteria provided, single submitter. Criteria: Invitae Variant Classification Sherloc (09022015). Collection method: clinical testing. Allele origin: germline.
Comment: This variant has not been reported in the literature in individuals affected with CNGB1-related conditions. For these reasons, this variant has been classified as Pathogenic. This variant is not present in population databases (gnomAD no frequency). This sequence change creates a premature translational stop signal (p.Glu426Argfs*77) in the CNGB1 gene. It is expected to result in an absent or disrupted protein product. Loss-of-function variants in CNGB1 are known to be pathogenic (PMID: 15557452, 24043777).

Literature cited by the submitters: PubMed 15557452; PubMed 24043777.

NM_001297.5(CNGB1):c.1276del (p.Glu426fs)

Gene: CNGB1 (cyclic nucleotide gated channel subunit beta 1; minus strand). Cytogenetic location: 16q21.
Variant type: Deletion.
Coding change: c.1276del on transcript NM_001297.5 (MANE Select); coding-DNA position 1276, one base deleted (G; older notation c.1276delG).
Protein change: p.Glu426fs; shifts the reading frame from glutamic acid 426.
Molecular consequence: frameshift variant.
Genome position (GRCh38, 1-based): chr16:57,939,526, C deleted on the plus strand (G on the coding strand, the reverse complement: CNGB1 is on the minus strand). VCF-style (leftmost placement, unchanged base first): chr16-57939525-TC-T. GRCh37 (hg19) VCF-style: chr16-57973429-TC-T.
Other names: c.1258del, p.Glu420fs (NM_001286130.2); short protein forms E426fs, E420fs.
Identifiers: ClinVar variation 2023004 (VCV002023004.4), dbSNP rs2544655027, ClinGen allele CA2580091727.